The following is an entry in ClinVar:

NM_001384140.1(PCDH15):c.295del (p.Thr99fs)

Gene: PCDH15 (protocadherin related 15; minus strand). Cytogenetic location: 10q21.1.
Variant type: Deletion.
Coding change: c.295del on transcript NM_001384140.1 (MANE Select); coding-DNA position 295, one base deleted (A; older notation c.295delA).
Protein change: p.Thr99fs; shifts the reading frame from threonine 99.
Molecular consequence: frameshift variant.
Genome position (GRCh38, 1-based): chr10:54,378,805, T deleted on the plus strand (A on the coding strand, the reverse complement: PCDH15 is on the minus strand). VCF-style (leftmost placement, unchanged base first): chr10-54378804-GT-G. GRCh37 (hg19) VCF-style: chr10-56138564-GT-G.
Other names: c.310del, p.Thr104fs (NM_001142763.2, NM_001142771.2); c.295del, p.Thr99fs (NM_001142764.2, NM_001142765.2, NM_001142766.2 and 8 more transcripts); c.229del, p.Thr77fs (NM_001142768.2, NM_001142773.2, NM_001354404.2); c.310delA, p.Thr104Profs (NM_001142769.4); short protein forms T104fs, T77fs, T99fs.
Identifiers: ClinVar variation 4816367 (VCV004816367.1).

ClinVar aggregate classification (germline): Likely pathogenic (1 of 4 stars; one submission).

Conditions:
Usher syndrome type 1F (USH1F). Also called: USHER SYNDROME, TYPE IF. Identifiers: Orphanet 231169, Orphanet 886, MedGen C1865885, MONDO:0011186, OMIM 602083.

Submission:

Natera, Inc.
Classification: Likely pathogenic for Usher syndrome type 1F. Last evaluated: 2024-06-28. Review status: criteria provided, single submitter. Criteria: Natera Variant Classification Schema (03/2026). Collection method: clinical testing. Allele origin: germline.
Comment: The c.295del variant in PCDH15 is a frameshift variant predicted to shift the reading frame beginning at codon 99 and leads to a stop codon 11 codons downstream. This variant is expected to result in nonsense mediated decay, truncation, or a dysfunctional protein product. This variant is rare in the general population with a frequency below the threshold expected for the associated phenotype(s). Given the available evidence, this variant is classified as Likely Pathogenic.